The following is an entry in ClinVar:

ClinVar aggregate classification (germline): Uncertain significance (1 of 4 stars; one submission).

Conditions:
Primary ciliary dyskinesia 33. Also called: CILIARY DYSKINESIA, PRIMARY, 33, WITHOUT SITUS INVERSUS. Identifiers: Orphanet 244, MedGen C4225230, MONDO:0014750, OMIM 616726.

gnomAD v4.1: 11 of 1,613,652 alleles (0.00068%); highest among the groups gnomAD compares: East Asian, 0.0089%; no homozygotes.

Submission:

Labcorp Genetics (formerly Invitae), Labcorp
Classification: Uncertain significance for Primary ciliary dyskinesia 33. Last evaluated: 2024-06-01. Review status: criteria provided, single submitter. Criteria: Invitae Variant Classification Sherloc (09022015). Collection method: clinical testing. Allele origin: germline.
Comment: This sequence change replaces arginine, which is basic and polar, with histidine, which is basic and polar, at codon 225 of the GAS8 protein (p.Arg225His). This variant is present in population databases (rs138136933, gnomAD 0.01%). This variant has not been reported in the literature in individuals affected with GAS8-related conditions. Advanced modeling of protein sequence and biophysical properties (such as structural, functional, and spatial information, amino acid conservation, physicochemical variation, residue mobility, and thermodynamic stability) performed at Invitae indicates that this missense variant is not expected to disrupt GAS8 protein function with a negative predictive value of 80%. In summary, the available evidence is currently insufficient to determine the role of this variant in disease. Therefore, it has been classified as a Variant of Uncertain Significance.

NM_001481.3(DRC4):c.674G>A (p.Arg225His)

Gene: DRC4 (dynein regulatory complex subunit 4; plus strand). Cytogenetic location: 16q24.3.
Variant type: single nucleotide variant.
Coding change: c.674G>A on transcript NM_001481.3 (MANE Select); coding-DNA position 674, G replaced by A.
Protein change: p.Arg225His; replaces arginine 225 with histidine.
Molecular consequence: missense variant.
Genome position (GRCh38, 1-based): chr16:90,036,504, G>A. VCF-style: chr16-90036504-G-A. GRCh37 (hg19) VCF-style: chr16-90102912-G-A.
Other names: c.98G>A, p.Arg33His (NM_001286208.2); c.599G>A, p.Arg200His (NM_001286209.2); c.425G>A, p.Arg142His (NM_001286205.2); short protein forms R200H, R142H, R33H, R225H.
Identifiers: ClinVar variation 3630810 (VCV003630810.2).